The following is an entry in ClinVar:

ClinVar aggregate classification (germline): Uncertain significance (1 of 4 stars; one submission).

Conditions:
Hereditary cancer-predisposing syndrome. Also called: Neoplastic Syndromes, Hereditary; Tumor predisposition; Hereditary neoplastic syndrome; Hereditary Cancer Syndrome. Identifiers: Orphanet 140162, MedGen C0027672, MeSH D009386, MONDO:0015356.

Submission:

Ambry Genetics
Classification: Uncertain significance for Hereditary cancer-predisposing syndrome. Last evaluated: 2026-08-31. Review status: criteria provided, single submitter. Criteria: Ambry Variant Classification Scheme 2023. Collection method: clinical testing. Allele origin: germline.
Comment: The p.V580M variant (also known as c.1738G>A), located in coding exon 12 of the MSH3 gene, results from a G to A substitution at nucleotide position 1738. The valine at codon 580 is replaced by methionine, an amino acid with highly similar properties. This amino acid position is conserved. In addition, this alteration is predicted to be deleterious by in silico analysis. Based on the available evidence, the clinical significance of this variant remains unclear.

NM_002439.5(MSH3):c.1738G>A (p.Val580Met)

Gene: MSH3 (mutS homolog 3; plus strand). Cytogenetic location: 5q14.1.
Variant type: single nucleotide variant.
Coding change: c.1738G>A on transcript NM_002439.5 (MANE Select); coding-DNA position 1738, G replaced by A.
Protein change: p.Val580Met; replaces valine 580 with methionine.
Molecular consequence: missense variant.
Genome position (GRCh38, 1-based): chr5:80,744,590, G>A. VCF-style: chr5-80744590-G-A. GRCh37 (hg19) VCF-style: chr5-80040409-G-A.
Other names: short protein forms V580M.
Identifiers: ClinVar variation 5024839 (VCV005024839.1).